The following is an entry in ClinVar:

NM_003108.4(SOX11):c.542G>T (p.Gly181Val)

Gene: SOX11 (SRY-box transcription factor 11; plus strand). Cytogenetic location: 2p25.2.
Variant type: single nucleotide variant.
Coding change: c.542G>T on transcript NM_003108.4 (MANE Select); coding-DNA position 542, G replaced by T.
Protein change: p.Gly181Val; replaces glycine 181 with valine.
Molecular consequence: missense variant.
Genome position (GRCh38, 1-based): chr2:5,693,263, G>T. VCF-style: chr2-5693263-G-T. GRCh37 (hg19) VCF-style: chr2-5833395-G-T.
Other names: short protein forms G181V.
Identifiers: ClinVar variation 3674000 (VCV003674000.2).
Genomic context (GRCh38, chr2:5,693,263, plus strand): 5'-AGGGCTCCAGCAAGAAATGCGGCAAGCTCAAGGCCCCCGCGGCCGCGGGCGCCAAGGCGG[G>T]CGCGGGCAAGGCGGCCCAGTCCGGGGACTACGGGGGCGCGGGCGACGACTACGTGCTGGG-3'
Protein context (NP_003099.1, residues 171-191): KAPAAAGAKA[Gly181Val]AGKAAQSGDY

ClinVar aggregate classification (germline): Uncertain significance (1 of 4 stars; one submission).

gnomAD v4.1: 3 of 1,379,614 alleles (0.00022%); highest among the groups gnomAD compares: Non-Finnish European, 0.00028%; no homozygotes.

Submission:

Labcorp Genetics (formerly Invitae), Labcorp
Classification: Uncertain significance. Last evaluated: 2025-01-17. Review status: criteria provided, single submitter. Criteria: Invitae Variant Classification Sherloc (09022015). Collection method: clinical testing. Allele origin: germline.
Comment: This sequence change replaces glycine, which is neutral and non-polar, with valine, which is neutral and non-polar, at codon 181 of the SOX11 protein (p.Gly181Val). This variant is present in population databases (no rsID available, gnomAD 0.007%). This variant has not been reported in the literature in individuals affected with SOX11-related conditions. Invitae Evidence Modeling of protein sequence and biophysical properties (such as structural, functional, and spatial information, amino acid conservation, physicochemical variation, residue mobility, and thermodynamic stability) indicates that this missense variant is not expected to disrupt SOX11 protein function with a negative predictive value of 95%. In summary, the available evidence is currently insufficient to determine the role of this variant in disease. Therefore, it has been classified as a Variant of Uncertain Significance.